The following is an entry in ClinVar:

NM_005005.3(NDUFB9):c.340A>G (p.Met114Val)

Gene: NDUFB9 (NADH:ubiquinone oxidoreductase subunit B9; plus strand). Cytogenetic location: 8q24.13.
Variant type: single nucleotide variant.
Coding change: c.340A>G on transcript NM_005005.3 (MANE Select); coding-DNA position 340, A replaced by G.
Protein change: p.Met114Val; replaces methionine 114 with valine.
Molecular consequence: missense variant.
Genome position (GRCh38, 1-based): chr8:124,547,045, A>G. VCF-style: chr8-124547045-A-G. GRCh37 (hg19) VCF-style: chr8-125559286-A-G.
Other names: c.172A>G, p.Met58Val (NM_001278645.2); c.211A>G, p.Met71Val (NM_001278646.2); c.307A>G, p.Met103Val (NM_001311168.2); c.340A>G (NM_005005.2); short protein forms M103V, M71V, M114V, M58V.
Identifiers: ClinVar variation 1469470 (VCV001469470.7), dbSNP rs779578444, ClinGen allele CA4871540.

ClinVar aggregate classification (germline): Uncertain significance. Review status: criteria provided, multiple submitters, no conflicts (2 of 4 stars). 2 submissions from 2 submitters: Uncertain significance (2). Last evaluated 2025-12-31.

Allele frequency attached by ClinVar (database versions not stated): TOPMed 0.00001; gnomAD 0.00003 and 0.00004.

Submissions (2):

Labcorp Genetics (formerly Invitae), Labcorp
Classification: Uncertain significance. Last evaluated: 2025-12-31. Review status: criteria provided, single submitter. Criteria: Invitae Variant Classification Sherloc (09022015). Collection method: clinical testing. Allele origin: germline.
Comment: This sequence change replaces methionine, which is neutral and non-polar, with valine, which is neutral and non-polar, at codon 114 of the NDUFB9 protein (p.Met114Val). This variant is present in population databases (rs779578444, gnomAD 0.01%). This variant has not been reported in the literature in individuals affected with NDUFB9-related conditions. ClinVar contains an entry for this variant (Variation ID: 1469470). An algorithm developed to predict the effect of missense changes on protein structure and function outputs the following: PolyPhen-2: "Benign". The valine amino acid residue is found in multiple mammalian species, which suggests that this missense change does not adversely affect protein function. In summary, the available evidence is currently insufficient to determine the role of this variant in disease. Therefore, it has been classified as a Variant of Uncertain Significance.

Ambry Genetics
Classification: Uncertain significance. Last evaluated: 2025-04-04. Review status: criteria provided, single submitter. Criteria: Ambry Variant Classification Scheme 2023. Collection method: clinical testing. Allele origin: germline.